The following is an entry in ClinVar:

NM_005585.5(SMAD6):c.299C>T (p.Ala100Val)

Gene: SMAD6 (SMAD family member 6; plus strand). Cytogenetic location: 15q22.31.
Variant type: single nucleotide variant.
Coding change: c.299C>T on transcript NM_005585.5 (MANE Select); coding-DNA position 299, C replaced by T.
Protein change: p.Ala100Val; replaces alanine 100 with valine.
Molecular consequence: missense variant. On other transcripts: non-coding transcript variant (1).
Genome position (GRCh38, 1-based): chr15:66,703,557, C>T. VCF-style: chr15-66703557-C-T. GRCh37 (hg19) VCF-style: chr15-66995895-C-T.
Other names: short protein forms A100V.
Identifiers: ClinVar variation 1017205 (VCV001017205.8), dbSNP rs1893029511, ClinGen allele CA392949219.

ClinVar aggregate classification (germline): Uncertain significance (1 of 4 stars; one submission).

Conditions:
Aortic valve disease 2 (AOVD2). Identifiers: MedGen C3542024, MONDO:0013902, OMIM 614823.

Allele frequency attached by ClinVar (database versions not stated): gnomAD 0.00001.

Submission:

Labcorp Genetics (formerly Invitae), Labcorp
Classification: Uncertain significance for Aortic valve disease 2. Last evaluated: 2022-09-01. Review status: criteria provided, single submitter. Criteria: Invitae Variant Classification Sherloc (09022015). Collection method: clinical testing. Allele origin: germline.
Comment: In summary, the available evidence is currently insufficient to determine the role of this variant in disease. Therefore, it has been classified as a Variant of Uncertain Significance. Algorithms developed to predict the effect of missense changes on protein structure and function (SIFT, PolyPhen-2, Align-GVGD) all suggest that this variant is likely to be tolerated. ClinVar contains an entry for this variant (Variation ID: 1017205). This variant has not been reported in the literature in individuals affected with SMAD6-related conditions. This variant is not present in population databases (gnomAD no frequency). This sequence change replaces alanine, which is neutral and non-polar, with valine, which is neutral and non-polar, at codon 100 of the SMAD6 protein (p.Ala100Val).